The following is an entry in ClinVar:

ClinVar aggregate classification (germline): Conflicting classifications of pathogenicity. Review status: criteria provided, conflicting classifications (1 of 4 stars). 5 submissions from 5 submitters: Uncertain significance (1); Likely benign (3). 1 of the submissions does not count toward it. Last evaluated 2025-05-05.

Conditions:
Intellectual disability. Also called: Intellectual developmental disorder; Intellectual functioning disability; intellectual disabilities. Identifiers: MedGen C3714756, MeSH D008607, MONDO:0001071, HP:0001249.
Inborn genetic diseases. Identifiers: MedGen C0950123, MeSH D030342.
ARID1B-Related Disorder. Identifiers: MedGen CN381337.

Allele frequency attached by ClinVar (database versions not stated): ExAC 0.00002; TOPMed 0.00003; gnomAD 0.00004; gnomAD exomes 0.00004; ESP Exome Variant Server 0.00015; 1000 Genomes Project 30x 0.00016; 1000 Genomes Project 0.00020.
gnomAD v4.1: 58 of 1,610,670 alleles (0.0036%); highest among the groups gnomAD compares: African/African-American, 0.013%; no homozygotes.

Submissions (5):

Labcorp Genetics (formerly Invitae), Labcorp
Classification: Likely benign. Last evaluated: 2025-05-05. Review status: criteria provided, single submitter. Criteria: Invitae Variant Classification Sherloc (09022015). Collection method: clinical testing. Allele origin: germline.

PreventionGenetics, part of Exact Sciences
Classification: Uncertain significance for ARID1B-related condition. Last evaluated: 2025-03-13. Review status: criteria provided, single submitter. Criteria: ACMG Guidelines, 2015. Collection method: clinical testing. Allele origin: germline.
Comment: The ARID1B c.2984C>T variant is predicted to result in the amino acid substitution p.Pro995Leu. To our knowledge, this variant has not been reported in the literature. This variant is reported in 0.0058% of alleles in individuals of Latino descent in gnomAD. Although we suspect that this variant may be benign, at this time, the clinical significance of this variant is uncertain due to the absence of conclusive functional and genetic evidence.

Ambry Genetics
Classification: Likely benign for Inborn genetic diseases. Last evaluated: 2021-07-13. Review status: criteria provided, single submitter. Criteria: Ambry Variant Classification Scheme 2023. Collection method: clinical testing. Allele origin: germline.

Blueprint Genetics
Classification: Likely benign. Last evaluated: 2020-08-07. Review status: criteria provided, single submitter. Criteria: ACMG Guidelines, 2015. Collection method: clinical testing. Allele origin: germline.

Centre de Biologie Pathologie Génétique, Centre Hospitalier Universitaire de Lille
Classification: Likely benign for Intellectual disability. Last evaluated: 2019-01-01. Review status: no assertion criteria provided. Collection method: clinical testing. Allele origin: inherited. Affected: yes. Not counted in ClinVar's aggregate classification.

NM_001374828.1(ARID1B):c.3194C>T (p.Pro1065Leu)

Gene: ARID1B (AT-rich interaction domain 1B; plus strand). Cytogenetic location: 6q25.3.
Variant type: single nucleotide variant.
Coding change: c.3194C>T on transcript NM_001374828.1 (MANE Select); coding-DNA position 3194, C replaced by T.
Protein change: p.Pro1065Leu; replaces proline 1065 with leucine.
Molecular consequence: missense variant.
Genome position (GRCh38, 1-based): chr6:157,167,144, C>T. VCF-style: chr6-157167144-C-T. GRCh37 (hg19) VCF-style: chr6-157488278-C-T.
Other names: c.2984C>T (NM_020732.3); c.695C>T, p.Pro232Leu (NM_001363725.2); c.3233C>T, p.Pro1078Leu (NM_001371656.1, NM_001374820.1); c.3194C>T, p.Pro1065Leu (NM_017519.3); short protein forms P1065L, P1078L, P232L.
Identifiers: ClinVar variation 975343 (VCV000975343.9), dbSNP rs370190261, ClinGen allele CA4067225.